The following is an entry in ClinVar:

NM_001365951.3(KIF1B):c.3364A>C (p.Thr1122Pro)

Gene: KIF1B (kinesin family member 1B; plus strand). Cytogenetic location: 1p36.22.
Variant type: single nucleotide variant.
Coding change: c.3364A>C on transcript NM_001365951.3 (MANE Select); coding-DNA position 3364, A replaced by C.
Protein change: p.Thr1122Pro; replaces threonine 1122 with proline.
Molecular consequence: missense variant.
Genome position (GRCh38, 1-based): chr1:10,337,475, A>C. VCF-style: chr1-10337475-A-C. GRCh37 (hg19) VCF-style: chr1-10397533-A-C.
Other names: c.3364A>C, p.Thr1122Pro (NM_001365952.1); c.3226A>C, p.Thr1076Pro (NM_015074.3); short protein forms T1076P, T1122P.
Identifiers: ClinVar variation 4844663 (VCV004844663.1).
Genomic context (GRCh38, chr1:10,337,475, plus strand): 5'-GGGTTTTCTGAAGAGATTGGCAACCACCTGAAACTGGGCAGTGCCTTCACTTTCCGAGTA[A>C]CAGTGTTGCAGGCCAGTGGAATCCTCCCAGAGTATGCAGATATCTTCTGTCAGTTCAAGT-3'
Protein context (NP_001352880.1, residues 1112-1132): KLGSAFTFRV[Thr1122Pro]VLQASGILPE

ClinVar aggregate classification (germline): Uncertain significance (1 of 4 stars; one submission).

Submission:

Ambry Genetics
Classification: Uncertain significance. Last evaluated: 2026-01-22. Review status: criteria provided, single submitter. Criteria: Ambry Variant Classification Scheme 2023. Collection method: clinical testing. Allele origin: germline.
Comment: The p.T1076P variant (also known as c.3226A>C), located in coding exon 28 of the KIF1B gene, results from an A to C substitution at nucleotide position 3226. The threonine at codon 1076 is replaced by proline, an amino acid with highly similar properties. This amino acid position is conserved. In addition, this alteration is predicted to be deleterious by in silico analysis. Based on the available evidence, the clinical significance of this variant remains unclear.